The following is an entry in ClinVar:

ClinVar aggregate classification (germline): Uncertain significance. Review status: criteria provided, multiple submitters, no conflicts (2 of 4 stars). 3 submissions from 3 submitters: Uncertain significance (3). Last evaluated 2025-01-10.

Conditions:
NEBL-related disorder. Also called: NEBL-related condition.
Primary dilated cardiomyopathy (DCM). Also called: Dilated Cardiomyopathy. Identifiers: Orphanet 217604, MedGen C0007193, MeSH D002311, MONDO:0005021, HP:0001644. Inheritance: Various modes of inheritance.

Allele frequency attached by ClinVar (database versions not stated): gnomAD 0.00001; ExAC 0.00002; gnomAD exomes 0.00002; TOPMed 0.00002.
gnomAD v4.1: 12 of 1,608,594 alleles (0.00075%); highest among the groups gnomAD compares: Admixed American, 0.012%; no homozygotes.

Submissions (3):

PreventionGenetics, part of Exact Sciences
Classification: Uncertain significance for NEBL-related condition. Last evaluated: 2025-01-10. Review status: criteria provided, single submitter. Criteria: ACMG Guidelines, 2015. Collection method: clinical testing. Allele origin: germline.
Comment: The NEBL c.1895A>G variant is predicted to result in the amino acid substitution p.His632Arg. To our knowledge, this variant has not been reported in the literature. This variant is reported in 0.012% of alleles in individuals of Latino descent in gnomAD. At this time, the clinical significance of this variant is uncertain due to the absence of conclusive functional and genetic evidence.

Labcorp Genetics (formerly Invitae), Labcorp
Classification: Uncertain significance for Primary dilated cardiomyopathy. Last evaluated: 2024-08-24. Review status: criteria provided, single submitter. Criteria: Invitae Variant Classification Sherloc (09022015). Collection method: clinical testing. Allele origin: germline.
Comment: This sequence change replaces histidine, which is basic and polar, with arginine, which is basic and polar, at codon 632 of the NEBL protein (p.His632Arg). This variant is present in population databases (rs763630411, gnomAD 0.009%). This variant has not been reported in the literature in individuals affected with NEBL-related conditions. ClinVar contains an entry for this variant (Variation ID: 2055932). An algorithm developed to predict the effect of missense changes on protein structure and function (PolyPhen-2) suggests that this variant is likely to be tolerated. In summary, the available evidence is currently insufficient to determine the role of this variant in disease. Therefore, it has been classified as a Variant of Uncertain Significance.

Ambry Genetics
Classification: Uncertain significance. Last evaluated: 2023-12-23. Review status: criteria provided, single submitter. Criteria: Ambry Variant Classification Scheme 2023. Collection method: clinical testing. Allele origin: germline.
Comment: The p.H632R variant (also known as c.1895A>G), located in coding exon 19 of the NEBL gene, results from an A to G substitution at nucleotide position 1895. The histidine at codon 632 is replaced by arginine, an amino acid with highly similar properties. This amino acid position is conserved. In addition, this alteration is predicted to be tolerated by in silico analysis. Since supporting evidence is limited at this time, the clinical significance of this alteration remains unclear.

NM_006393.3(NEBL):c.1895A>G (p.His632Arg)

Gene: NEBL (nebulette; minus strand). Cytogenetic location: 10p12.31.
Variant type: single nucleotide variant.
Coding change: c.1895A>G on transcript NM_006393.3 (MANE Select); coding-DNA position 1895, A replaced by G.
Protein change: p.His632Arg; replaces histidine 632 with arginine.
Molecular consequence: missense variant. On other transcripts: intron variant (9).
Genome position (GRCh38, 1-based): chr10:20,823,275, T>C on the plus strand (A>G on the coding strand, the complement: NEBL is on the minus strand). VCF-style: chr10-20823275-T-C. GRCh37 (hg19) VCF-style: chr10-21112204-T-C.
Other names: c.250-10335A>G (NM_001377326.1, NM_001377327.1, NM_001377328.1); c.358-10335A>G (NM_213569.2, NM_001173484.2, NM_001377322.1); c.301-10335A>G (NM_001377324.1); c.292-10335A>G (NM_001377325.1); c.310-10335A>G (NM_001377323.1); short protein forms H632R.
Identifiers: ClinVar variation 2055932 (VCV002055932.6), dbSNP rs763630411, ClinGen allele CA5432699.
Genomic context (GRCh38, chr10:20,823,275, plus strand): 5'-ATGTTCTTCTGGTTTTCTTTAACTCTCTTTAGTTCTGGAGGATCAGAAATGGCTGTTGCA[T>C]GTTTAATCTCTTCTTTGTATTTCACCTGCATAATTTATAAGAATATAACGTTAACTTTAT-3'
Protein context (NP_006384.1, residues 622-642): SSVKYKEEIK[His632Arg]ATAISDPPEL